The following is an entry in ClinVar:

ClinVar aggregate classification (germline): Benign. Review status: criteria provided, multiple submitters, no conflicts (2 of 4 stars). 3 submissions from 3 submitters: Benign (2). 1 of the submissions does not count toward it. Last evaluated 2026-01-27.

Conditions:
IL12RB2-related disorder. Also called: IL12RB2-related condition.

Allele frequency attached by ClinVar (database versions not stated): gnomAD exomes 0.00134 and 0.00357; ExAC 0.00422; gnomAD 0.01311 and 0.01404; TOPMed 0.01470; 1000 Genomes Project 0.01518; 1000 Genomes Project 30x 0.01530; ESP Exome Variant Server 0.01576.

Submissions (3):

Labcorp Genetics (formerly Invitae), Labcorp
Classification: Benign. Last evaluated: 2026-01-27. Review status: criteria provided, single submitter. Criteria: Invitae Variant Classification Sherloc (09022015). Collection method: clinical testing. Allele origin: germline.

Breakthrough Genomics
Classification: Benign. Review status: criteria provided, single submitter. Criteria: ACMG Guidelines, 2015. Collection method: not provided. Allele origin: germline. Inheritance: Unknown mechanism. Affected: yes.

PreventionGenetics, part of Exact Sciences
Classification: Benign for IL12RB2-related condition. Last evaluated: 2019-05-02. Review status: no assertion criteria provided. Collection method: clinical testing. Allele origin: germline. Not counted in ClinVar's aggregate classification.
Comment: This variant is classified as benign based on ACMG/AMP sequence variant interpretation guidelines (Richards et al. 2015 PMID: 25741868, with internal and published modifications).

NM_001374259.2(IL12RB2):c.37A>G (p.Met13Val)

Gene: IL12RB2 (interleukin 12 receptor subunit beta 2; plus strand). Cytogenetic location: 1p31.3.
Variant type: single nucleotide variant.
Coding change: c.37A>G on transcript NM_001374259.2 (MANE Select); coding-DNA position 37, A replaced by G.
Protein change: p.Met13Val; replaces methionine 13 with valine.
Molecular consequence: missense variant. On other transcripts: non-coding transcript variant (2).
Genome position (GRCh38, 1-based): chr1:67,320,405, A>G. VCF-style: chr1-67320405-A-G. GRCh37 (hg19) VCF-style: chr1-67786088-A-G.
Other names: c.37A>G, p.Met13Val (NM_001258214.1, NM_001258215.1, NM_001258216.1 and 2 more transcripts); short protein forms M13V.
Identifiers: ClinVar variation 775560 (VCV000775560.14), dbSNP rs17129772, ClinGen allele CA900096.